The following is an entry in ClinVar:

NM_004820.5(CYP7B1):c.110T>C (p.Val37Ala)

Gene: CYP7B1 (cytochrome P450 family 7 subfamily B member 1; minus strand). Cytogenetic location: 8q12.3.
Variant type: single nucleotide variant.
Coding change: c.110T>C on transcript NM_004820.5 (MANE Select); coding-DNA position 110, T replaced by C.
Protein change: p.Val37Ala; replaces valine 37 with alanine.
Molecular consequence: missense variant.
Genome position (GRCh38, 1-based): chr8:64,798,478, A>G on the plus strand (T>C on the coding strand, the complement: CYP7B1 is on the minus strand). VCF-style: chr8-64798478-A-G. GRCh37 (hg19) VCF-style: chr8-65711035-A-G.
Other names: c.110T>C, p.Val37Ala (NM_001324112.2); c.110T>C (NM_004820.3); short protein forms V37A.
Identifiers: ClinVar variation 2077890 (VCV002077890.3), dbSNP rs775470839, ClinGen allele CA4764305.
Genomic context (GRCh38, chr8:64,798,478, plus strand): 5'-CCCGCGGGGCCCAGGGCGCATGCGTGGCCTGGCGGCCGAGGCGCTTACCTGGTGCGCCGG[A>G]CAAGCAAGCAGAGGGCCAGGAGCAGCAGGGCCGCGGCGAGGGCCAGGCCCGGGAGGCCCA-3'
Protein context (NP_004811.1, residues 27-47): ALLLLALCLL[Val37Ala]RRTRRPGEPP

ClinVar aggregate classification (germline): Uncertain significance. Review status: criteria provided, multiple submitters, no conflicts (2 of 4 stars). 2 submissions from 2 submitters: Uncertain significance (2). Last evaluated 2026-02-06.

Conditions:
Spastic paraplegia. Identifiers: MedGen C0037772, HP:0001258.

Allele frequency attached by ClinVar (database versions not stated): ExAC 0.00010.
gnomAD v4.1: 23 of 1,512,950 alleles (0.0015%); highest among the groups gnomAD compares: African/African-American, 0.0057%; no homozygotes.

Submissions (2):

GeneDx
Classification: Uncertain significance. Last evaluated: 2026-02-06. Review status: criteria provided, single submitter. Criteria: GeneDx Variant Classification Process June 2021. Collection method: clinical testing. Allele origin: germline.
Comment: Not observed at significant frequency in large population cohorts (gnomAD); In silico analysis suggests that this missense variant does not alter protein structure/function; Has not been previously published as pathogenic or benign to our knowledge

Labcorp Genetics (formerly Invitae), Labcorp
Classification: Uncertain significance for Spastic paraplegia. Last evaluated: 2022-10-17. Review status: criteria provided, single submitter. Criteria: Invitae Variant Classification Sherloc (09022015). Collection method: clinical testing. Allele origin: germline.
Comment: This sequence change replaces valine, which is neutral and non-polar, with alanine, which is neutral and non-polar, at codon 37 of the CYP7B1 protein (p.Val37Ala). This variant is present in population databases (rs775470839, gnomAD 0.009%). This variant has not been reported in the literature in individuals affected with CYP7B1-related conditions. Advanced modeling of protein sequence and biophysical properties (such as structural, functional, and spatial information, amino acid conservation, physicochemical variation, residue mobility, and thermodynamic stability) performed at Invitae indicates that this missense variant is not expected to disrupt CYP7B1 protein function. In summary, the available evidence is currently insufficient to determine the role of this variant in disease. Therefore, it has been classified as a Variant of Uncertain Significance.